The following is an entry in ClinVar:

ClinVar aggregate classification (germline): Conflicting classifications of pathogenicity. Review status: criteria provided, conflicting classifications (1 of 4 stars). 3 submissions from 2 submitters: Uncertain significance (2); Benign (1). Last evaluated 2023-06-02.

Conditions:
Familial hyperthyroidism due to mutations in TSH receptor. Also called: HYPERTHYROIDISM, CONGENITAL NONAUTOIMMUNE; HYPERTHYROIDISM, NONAUTOIMMUNE, AUTOSOMAL DOMINANT; TOXIC THYROID HYPERPLASIA, AUTOSOMAL DOMINANT. Identifiers: Orphanet 424, MedGen C1836706, MONDO:0012203, OMIM 609152.
Hypothyroidism due to TSH receptor mutations. Also called: Hypothyroidism, congenital, nongoitrous, 1; HYPOTHYROIDISM DUE TO UNRESPONSIVENESS TO THYROTROPIN; HYPOTHYROIDISM, CONGENITAL, DUE TO TSH RESISTANCE; HYPOTHYROIDISM, NONAUTOIMMUNE; THYROID-STIMULATING HORMONE, RESISTANCE TO; TSH RESISTANCE. Identifiers: Orphanet 90673, MedGen C3493776, MONDO:0010142, OMIM 275200.
Familial gestational hyperthyroidism. Identifiers: Orphanet 99819, MedGen C1863959, MONDO:0011309, OMIM 603373.

Allele frequency attached by ClinVar (database versions not stated): ExAC 0.00006; gnomAD exomes 0.00009 and 0.00011; gnomAD 0.00013 and 0.00014; TOPMed 0.00020.
gnomAD v4.1: 153 of 1,614,078 alleles (0.0095%); highest among the groups gnomAD compares: Admixed American, 0.03%; no homozygotes.

Submissions (3):

Department of Pathology and Laboratory Medicine, Sinai Health System
Classification: Uncertain significance for Hypothyroidism due to TSH receptor mutations; Familial gestational hyperthyroidism; Familial hyperthyroidism due to mutations in TSH receptor. Last evaluated: 2023-06-02. Review status: criteria provided, single submitter. Criteria: ACMG Guidelines, 2015. Collection method: research. Allele origin: germline.

Illumina Laboratory Services, Illumina
Classification: Benign for Familial hyperthyroidism due to mutations in TSH receptor. Last evaluated: 2017-05-10. Review status: criteria provided, single submitter. Criteria: ICSL Variant Classification Criteria 13 December 2019. Collection method: clinical testing. Allele origin: germline.
Comment: This variant was observed as part of a predisposition screen in an ostensibly healthy population. A literature search was performed for the gene, cDNA change, and amino acid change (where applicable). No publications were found based on this search. Allele frequency data from public databases was too high to be consistent with this variant causing disease. Therefore, this variant is classified as benign.

Illumina Laboratory Services, Illumina
Classification: Uncertain significance for Hypothyroidism due to TSH receptor mutations. Last evaluated: 2017-04-28. Review status: criteria provided, single submitter. Criteria: ICSL Variant Classification Criteria 13 December 2019. Collection method: clinical testing. Allele origin: germline.

NM_000369.5(TSHR):c.1621A>G (p.Ile541Val)

Genes: TSHR (thyroid stimulating hormone receptor; plus strand), TSHR-AS1 (TSHR antisense RNA 1; minus strand). Cytogenetic location: 14q31.1.
Variant type: single nucleotide variant.
Coding change: c.1621A>G on transcript NM_000369.5 (MANE Select); coding-DNA position 1621, A replaced by G.
Protein change: p.Ile541Val; replaces isoleucine 541 with valine.
Molecular consequence: missense variant.
Genome position (GRCh38, 1-based): chr14:81,143,679, A>G. VCF-style: chr14-81143679-A-G. GRCh37 (hg19) VCF-style: chr14-81610023-A-G.
Other names: short protein forms I541V.
Identifiers: ClinVar variation 887255 (VCV000887255.5), dbSNP rs747680932, ClinGen allele CA7294500.